The following is an entry in ClinVar:

ClinVar aggregate classification (germline): Likely benign (1 of 4 stars; one submission).

gnomAD v4.1: 1 of 1,614,182 alleles (0.000062%); highest among the groups gnomAD compares: Non-Finnish European, 0.000085%; no homozygotes.

Submission:

CeGaT Center for Human Genetics Tuebingen
Classification: Likely benign. Last evaluated: 2024-10-01. Review status: criteria provided, single submitter. Criteria: CeGaT Center For Human Genetics Tuebingen Variant Classification Criteria Version 2. Collection method: clinical testing. Allele origin: germline. Affected: yes. Observed: 1 variant allele.
Comment: FBN2: BP4, BP7

NM_001999.4(FBN2):c.2229A>G (p.Pro743=)

Gene: FBN2 (fibrillin 2; minus strand). Cytogenetic location: 5q23.3.
Variant type: single nucleotide variant.
Coding change: c.2229A>G on transcript NM_001999.4 (MANE Select); coding-DNA position 2229, A replaced by G.
Protein change: p.Pro743=; no amino-acid change (proline 743 retained).
Molecular consequence: synonymous variant.
Genome position (GRCh38, 1-based): chr5:128,369,201, T>C on the plus strand (A>G on the coding strand, the complement: FBN2 is on the minus strand). VCF-style: chr5-128369201-T-C. GRCh37 (hg19) VCF-style: chr5-127704894-T-C.
Identifiers: ClinVar variation 3389090 (VCV003389090.14).